The following is an entry in ClinVar:

ClinVar aggregate classification (germline): Uncertain significance. Review status: criteria provided, multiple submitters, no conflicts (2 of 4 stars). 2 submissions from 2 submitters: Uncertain significance (2). Last evaluated 2025-08-06.

Conditions:
Inborn genetic diseases. Identifiers: MedGen C0950123, MeSH D030342.

Allele frequency attached by ClinVar (database versions not stated): ExAC 0.00001; gnomAD exomes 0.00002; gnomAD 0.00003; TOPMed 0.00003.
gnomAD v4.1: 38 of 1,613,378 alleles (0.0024%); highest among the groups gnomAD compares: Non-Finnish European, 0.0031%; no homozygotes.

Submissions (2):

Ambry Genetics
Classification: Uncertain significance for Inborn genetic diseases. Last evaluated: 2025-08-06. Review status: criteria provided, single submitter. Criteria: Ambry Variant Classification Scheme 2023. Collection method: clinical testing. Allele origin: germline.

Labcorp Genetics (formerly Invitae), Labcorp
Classification: Uncertain significance. Last evaluated: 2021-09-02. Review status: criteria provided, single submitter. Criteria: Invitae Variant Classification Sherloc (09022015). Collection method: clinical testing. Allele origin: germline.
Comment: This sequence change replaces isoleucine with valine at codon 2975 of the VPS13A protein (p.Ile2975Val). The isoleucine residue is moderately conserved and there is a small physicochemical difference between isoleucine and valine. This variant is present in population databases (rs775464593, ExAC 0.001%). This variant has not been reported in the literature in individuals affected with VPS13A-related conditions. Algorithms developed to predict the effect of missense changes on protein structure and function are either unavailable or do not agree on the potential impact of this missense change (SIFT: "Tolerated"; PolyPhen-2: "Probably Damaging"; Align-GVGD: "Class C0"). In summary, the available evidence is currently insufficient to determine the role of this variant in disease. Therefore, it has been classified as a Variant of Uncertain Significance.

NM_033305.3(VPS13A):c.8923A>G (p.Ile2975Val)

Gene: VPS13A (vacuolar protein sorting 13 homolog A; plus strand). Cytogenetic location: 9q21.2.
Variant type: single nucleotide variant.
Coding change: c.8923A>G on transcript NM_033305.3 (MANE Select); coding-DNA position 8923, A replaced by G.
Protein change: p.Ile2975Val; replaces isoleucine 2975 with valine.
Molecular consequence: missense variant.
Genome position (GRCh38, 1-based): chr9:77,370,905, A>G. VCF-style: chr9-77370905-A-G. GRCh37 (hg19) VCF-style: chr9-79985821-A-G.
Other names: c.8806A>G, p.Ile2936Val (NM_001018037.2); c.8923A>G, p.Ile2975Val (NM_001018038.3, NM_015186.4); c.8923A>G (NM_033305.2); short protein forms I2936V, I2975V.
Identifiers: ClinVar variation 2192076 (VCV002192076.2), dbSNP rs775464593, ClinGen allele CA5093798.